The following is an entry in ClinVar:

NM_001182.5(ALDH7A1):c.1274A>C (p.His425Pro)

Gene: ALDH7A1 (aldehyde dehydrogenase 7 family member A1; minus strand). Cytogenetic location: 5q23.2.
Variant type: single nucleotide variant.
Coding change: c.1274A>C on transcript NM_001182.5 (MANE Select); coding-DNA position 1274, A replaced by C.
Protein change: p.His425Pro; replaces histidine 425 with proline.
Molecular consequence: missense variant.
Genome position (GRCh38, 1-based): chr5:126,552,064, T>G on the plus strand (A>C on the coding strand, the complement: ALDH7A1 is on the minus strand). VCF-style: chr5-126552064-T-G. GRCh37 (hg19) VCF-style: chr5-125887756-T-G.
Other names: c.1190A>C, p.His397Pro (NM_001201377.2); c.1082A>C, p.His361Pro (NM_001202404.2); short protein forms H361P, H397P, H425P.
Identifiers: ClinVar variation 1305098 (VCV001305098.2), dbSNP rs925199159, ClinGen allele CA360723045.

ClinVar aggregate classification (germline): Uncertain significance (1 of 4 stars; one submission).

Submission:

GeneDx
Classification: Uncertain significance. Last evaluated: 2019-04-08. Review status: criteria provided, single submitter. Criteria: GeneDx Variant Classification Process June 2021. Collection method: clinical testing. Allele origin: germline. Affected: yes.
Comment: Not observed in large population cohorts (Lek et al., 2016); In silico analysis, which includes protein predictors and evolutionary conservation, supports a deleterious effect; Has not been previously published as pathogenic or benign to our knowledge